The following is an entry in ClinVar:

NM_173354.5(SIK1):c.1444dup (p.Ser482fs)

Gene: SIK1 (salt inducible kinase 1; minus strand). Cytogenetic location: 21q22.3.
Variant type: Duplication.
Coding change: c.1444dup on transcript NM_173354.5 (MANE Select); coding-DNA position 1444, one base duplicated (T; older notation c.1444dupT).
Protein change: p.Ser482fs; shifts the reading frame from serine 482.
Molecular consequence: frameshift variant.
Genome position (GRCh38, 1-based): chr21:43,419,039, A duplicated on the plus strand (T on the coding strand, the reverse complement: SIK1 is on the minus strand). VCF-style (leftmost placement, unchanged base first): chr21-43419038-G-GA. GRCh37 (hg19) VCF-style: chr21-44838918-G-GA.
Other names: short protein forms S482fs.
Identifiers: ClinVar variation 4727928 (VCV004727928.1).

ClinVar aggregate classification (germline): Uncertain significance (1 of 4 stars; one submission).

Conditions:
Developmental and epileptic encephalopathy, 30 (DEE30). Also called: Epileptic encephalopathy, early infantile, 30. Identifiers: MedGen C4225360, MONDO:0014595, OMIM 616341.

Submission:

Labcorp Genetics (formerly Invitae), Labcorp
Classification: Uncertain significance for Developmental and epileptic encephalopathy, 30. Last evaluated: 2025-09-27. Review status: criteria provided, single submitter. Criteria: Invitae Variant Classification Sherloc (09022015). Collection method: clinical testing. Allele origin: germline.
Comment: This sequence change creates a premature translational stop signal (p.Ser482Phefs*25) in the SIK1 gene. It is expected to result in an absent or disrupted protein product. However, the current clinical and genetic evidence is not sufficient to establish whether loss-of-function variants in SIK1 cause disease. This variant is not present in population databases (gnomAD no frequency). This variant has not been reported in the literature in individuals affected with SIK1-related conditions. In summary, the available evidence is currently insufficient to determine the role of this variant in disease. Therefore, it has been classified as a Variant of Uncertain Significance.